The following is an entry in ClinVar:

NM_000419.5(ITGA2B):c.480del (p.Cys161fs)

Gene: ITGA2B (integrin subunit alpha 2b; minus strand). Cytogenetic location: 17q21.31.
Variant type: Deletion.
Coding change: c.480del on transcript NM_000419.5 (MANE Select); coding-DNA position 480, one base deleted (C; older notation c.480delC).
Protein change: p.Cys161fs; shifts the reading frame from cysteine 161.
Molecular consequence: frameshift variant.
Genome position (GRCh38, 1-based): chr17:44,385,645, G deleted on the plus strand (C on the coding strand, the reverse complement: ITGA2B is on the minus strand). VCF-style (leftmost placement, unchanged base first): chr17-44385644-AG-A. GRCh37 (hg19) VCF-style: chr17-42463012-AG-A.
Other names: NM_000419.5:c.480del; short protein forms C161fs.
Identifiers: ClinVar variation 3242403 (VCV003242403.1), dbSNP rs2510084868.

ClinVar aggregate classification (germline): Pathogenic (3 of 4 stars; one submission).

Conditions:
Glanzmann thrombasthenia. Also called: PLATELET GLYCOPROTEIN IIb-IIIa DEFICIENCY; Thrombasthenia; Glanzmann's thrombasthenia; BLEEDING DISORDER, PLATELET-TYPE, 2; THROMBASTHENIA OF GLANZMANN AND NAEGELI. Identifiers: Orphanet 849, MedGen C0040015, MONDO:0100326.

Submission:

ClinGen Platelet Disorders Variant Curation Expert Panel, ClinGen
Classification: Pathogenic for Glanzmann thrombasthenia. Last evaluated: 2024-06-06. Review status: reviewed by expert panel. Criteria: ClinGen Platelet ACMG Specifications v2-1. Collection method: curation. Allele origin: germline. Inheritance: Autosomal recessive inheritance.
Comment: The NM_000419.5(ITGA2B):c.480del (p.Cys161AlafsTer22) (also referred as "c.512delC") variant in ITGA2B is a deletion in exon 4, resulting in a shift of the reading frame and a premature stop signal (p.Cys161Alafs*22). This variant is predicted to cause a premature stop codon in biologically relevant exon (exon 4) leading to nonsense mediated decay (PVS1). This variant has been detected in trans with a pathogenic variant NM_000419.4:c.1654del (mentioned as "c.1686delG" in the article) in an individual with Glanzmann thrombasthenia (PMID: 27416581; PM3). The patient (PMID: 27416581) displayed mucocutaneous bleeding and impaired aggregation with all agonists except ristocetin, which is highly specific for Glanzmann thrombasthenia (PP4_moderate). Additionally, αIIbβ3 surface expression was absent, as measured by flow cytometry. This variant is absent from gnomAD v4.1.0 population databases (PM2_Supporting). In summary this variant meets criteria to be classified as Pathogenic for autosomal recessive Glanzmann Thrombasthenia based on the ACMG/AMP criteria applied, as specified by the ClinGen PD VCEP: PVS1, PM3, PM2_Supporting, PP4_Moderate.